The following is an entry in ClinVar:

NM_000051.4(ATM):c.2466+3A>G

Gene: ATM (ATM serine/threonine kinase; plus strand). Cytogenetic location: 11q22.3.
Variant type: single nucleotide variant.
Coding change: c.2466+3A>G on transcript NM_000051.4 (MANE Select); 3 bases into the intron after coding-DNA position 2466, A replaced by G.
Molecular consequence: intron variant.
Genome position (GRCh38, 1-based): chr11:108,259,078, A>G. VCF-style: chr11-108259078-A-G. GRCh37 (hg19) VCF-style: chr11-108129805-A-G.
Other names: c.2466+3A>G (NM_001351834.2).
Identifiers: ClinVar variation 2719299 (VCV002719299.3), dbSNP rs2497421735, ClinGen allele CA2697552052.

ClinVar aggregate classification (germline): Uncertain significance (1 of 4 stars; one submission).

Conditions:
Ataxia-telangiectasia syndrome (AT). Also called: AT, COMPLEMENTATION GROUP C; Ataxia telangiectasia (A-T); Ataxia-telangiectasia, complementation group D; Ataxia-telangiectasia, complementation group E; LOUIS-BAR SYNDROME; ATAXIA-TELANGIECTASIA, COMPLEMENTATION GROUP A. Identifiers: Orphanet 100, MedGen C0004135, MONDO:0008840, OMIM 208900.

Submission:

Labcorp Genetics (formerly Invitae), Labcorp
Classification: Uncertain significance for Ataxia-telangiectasia syndrome. Last evaluated: 2023-05-25. Review status: criteria provided, single submitter. Criteria: Invitae Variant Classification Sherloc (09022015). Collection method: clinical testing. Allele origin: germline.
Comment: This sequence change falls in intron 16 of the ATM gene. It does not directly change the encoded amino acid sequence of the ATM protein. It affects a nucleotide within the consensus splice site. In summary, the available evidence is currently insufficient to determine the role of this variant in disease. Therefore, it has been classified as a Variant of Uncertain Significance. Variants that disrupt the consensus splice site are a relatively common cause of aberrant splicing (PMID: 17576681, 9536098). Algorithms developed to predict the effect of sequence changes on RNA splicing suggest that this variant may disrupt the consensus splice site. This variant has not been reported in the literature in individuals affected with ATM-related conditions. This variant is not present in population databases (gnomAD no frequency).

Literature cited by the submitters: PubMed 17576681; PubMed 9536098.